The following is an entry in ClinVar:

NM_000256.3(MYBPC3):c.1004G>A (p.Arg335His)

Gene: MYBPC3 (myosin binding protein C3; minus strand). Cytogenetic location: 11p11.2.
Variant type: single nucleotide variant.
Coding change: c.1004G>A on transcript NM_000256.3 (MANE Select); coding-DNA position 1004, G replaced by A.
Protein change: p.Arg335His; replaces arginine 335 with histidine.
Molecular consequence: missense variant.
Genome position (GRCh38, 1-based): chr11:47,346,293, C>T on the plus strand (G>A on the coding strand, the complement: MYBPC3 is on the minus strand). VCF-style: chr11-47346293-C-T. GRCh37 (hg19) VCF-style: chr11-47367844-C-T.
Other names: short protein forms R335H.
Identifiers: ClinVar variation 3876128 (VCV003876128.2).

ClinVar aggregate classification (germline): Uncertain significance. Review status: criteria provided, multiple submitters, no conflicts (2 of 4 stars). 2 submissions from 2 submitters: Uncertain significance (2). Last evaluated 2026-01-19.

Conditions:
Cardiovascular phenotype. Identifiers: MedGen CN230736.
Hypertrophic cardiomyopathy. Also called: HYPERTROPHIC MYOCARDIOPATHY. Identifiers: Orphanet 217569, MedGen C0007194, MeSH D002312, MONDO:0005045, HP:0001639.

gnomAD v4.1: 12 of 1,613,462 alleles (0.00074%); highest among the groups gnomAD compares: Non-Finnish European, 0.001%; no homozygotes.

Submissions (2):

Labcorp Genetics (formerly Invitae), Labcorp
Classification: Uncertain significance for Hypertrophic cardiomyopathy. Last evaluated: 2026-01-19. Review status: criteria provided, single submitter. Criteria: Invitae Variant Classification Sherloc (09022015). Collection method: clinical testing. Allele origin: germline.
Comment: This sequence change replaces arginine, which is basic and polar, with histidine, which is basic and polar, at codon 335 of the MYBPC3 protein (p.Arg335His). This variant is not present in population databases (gnomAD no frequency). This variant has not been reported in the literature in individuals affected with MYBPC3-related conditions. ClinVar contains an entry for this variant (Variation ID: 3876128). An algorithm developed to predict the effect of missense changes on protein structure and function (PolyPhen-2) suggests that this variant is likely to be disruptive. In summary, the available evidence is currently insufficient to determine the role of this variant in disease. Therefore, it has been classified as a Variant of Uncertain Significance.

Ambry Genetics
Classification: Uncertain significance for Cardiovascular phenotype. Last evaluated: 2024-12-29. Review status: criteria provided, single submitter. Criteria: Ambry Variant Classification Scheme 2023. Collection method: clinical testing. Allele origin: germline.
Comment: The p.R335H variant (also known as c.1004G>A), located in coding exon 12 of the MYBPC3 gene, results from a G to A substitution at nucleotide position 1004. The arginine at codon 335 is replaced by histidine, an amino acid with highly similar properties. This amino acid position is conserved. In addition, this alteration is predicted to be tolerated by in silico analysis. Based on the available evidence, the clinical significance of this variant remains unclear.